The following is an entry in ClinVar:

NM_004369.4(COL6A3):c.6198T>G (p.Asp2066Glu)

Gene: COL6A3 (collagen type VI alpha 3 chain; minus strand). Cytogenetic location: 2q37.3.
Variant type: single nucleotide variant.
Coding change: c.6198T>G on transcript NM_004369.4 (MANE Select); coding-DNA position 6198, T replaced by G.
Protein change: p.Asp2066Glu; replaces aspartic acid 2066 with glutamic acid.
Molecular consequence: missense variant.
Genome position (GRCh38, 1-based): chr2:237,361,133, A>C on the plus strand (T>G on the coding strand, the complement: COL6A3 is on the minus strand). VCF-style: chr2-237361133-A-C. GRCh37 (hg19) VCF-style: chr2-238269776-A-C.
Other names: c.4377T>G, p.Asp1459Glu (NM_057166.5); c.5580T>G, p.Asp1860Glu (NM_057167.4); short protein forms D1459E, D1860E, D2066E.
Identifiers: ClinVar variation 4807297 (VCV004807297.1).
Genomic context (GRCh38, chr2:237,361,133, plus strand): 5'-GATCAAGGAGGGGGTGAAATTTTAGGGACTAAAACAATTTTTACTTACGGGTCCACCCTC[A>C]TCACCAGGATAGCCTCGGTAGCCGTCTTCTCCAGGAATACCCTGAAACAAAGTAATCGGG-3'
Protein context (NP_004360.2, residues 2056-2076): GEDGYRGYPG[Asp2066Glu]EGGPGERGPP

ClinVar aggregate classification (germline): Uncertain significance (1 of 4 stars; one submission).

Conditions:
Bethlem myopathy 1A. Also called: MYOPATHY, BENIGN CONGENITAL, WITH CONTRACTURES; Bethlem myopathy 1; Bethlem Muscular Dystrophy. Identifiers: Orphanet 610, MedGen CN029274, MONDO:0024530, OMIM 158810.

gnomAD v4.1: 4 of 1,614,138 alleles (0.00025%); highest among the groups gnomAD compares: Non-Finnish European, 0.00025%; no homozygotes.

Submission:

Labcorp Genetics (formerly Invitae), Labcorp
Classification: Uncertain significance for Bethlem myopathy 1A. Last evaluated: 2025-06-17. Review status: criteria provided, single submitter. Criteria: Invitae Variant Classification Sherloc (09022015). Collection method: clinical testing. Allele origin: germline.
Comment: This sequence change replaces aspartic acid, which is acidic and polar, with glutamic acid, which is acidic and polar, at codon 2066 of the COL6A3 protein (p.Asp2066Glu). This variant is present in population databases (rs766175267, gnomAD 0.0009%). This variant has not been reported in the literature in individuals affected with COL6A3-related conditions. Invitae Evidence Modeling of protein sequence and biophysical properties (such as structural, functional, and spatial information, amino acid conservation, physicochemical variation, residue mobility, and thermodynamic stability) indicates that this missense variant is not expected to disrupt COL6A3 protein function with a negative predictive value of 80%. In summary, the available evidence is currently insufficient to determine the role of this variant in disease. Therefore, it has been classified as a Variant of Uncertain Significance.